The following is an entry in ClinVar:

NM_001123385.2(BCOR):c.4320T>C (p.Pro1440=)

Gene: BCOR (BCL6 corepressor; minus strand). Cytogenetic location: Xp11.4.
Variant type: single nucleotide variant.
Coding change: c.4320T>C on transcript NM_001123385.2 (MANE Select); coding-DNA position 4320, T replaced by C.
Protein change: p.Pro1440=; no amino-acid change (proline 1440 retained).
Molecular consequence: synonymous variant.
Genome position (GRCh38, 1-based): chrX:40,062,247, A>G on the plus strand (T>C on the coding strand, the complement: BCOR is on the minus strand). VCF-style: chrX-40062247-A-G. GRCh37 (hg19) VCF-style: chrX-39921500-A-G.
Other names: c.4218T>C, p.Pro1406= (NM_001123383.2, NM_017745.6); c.4164T>C, p.Pro1388= (NM_001123384.2).
Identifiers: ClinVar variation 210522 (VCV000210522.21), dbSNP rs753786462, ClinGen allele CA207480.

ClinVar aggregate classification (germline): Conflicting classifications of pathogenicity. Review status: criteria provided, conflicting classifications (1 of 4 stars). 4 submissions from 4 submitters: Uncertain significance (2); Benign (1). 1 of the submissions does not count toward it. Last evaluated 2025-11-12.

Conditions:
BCOR-related disorder. Also called: BCOR-related disorders; BCOR-related condition.
Oculofaciocardiodental syndrome (MCOPS2). Identifiers: Orphanet 2712, MedGen C1846265, MONDO:0010261, OMIM 300166.

Allele frequency attached by ClinVar (database versions not stated): TOPMed 0.00014; gnomAD exomes 0.00020 and 0.00037; 1000 Genomes Project 30x 0.00021; 1000 Genomes Project 0.00026; ExAC 0.00029; gnomAD 0.00011 and 0.00014.

Submissions (4):

Labcorp Genetics (formerly Invitae), Labcorp
Classification: Benign for Oculofaciocardiodental syndrome. Last evaluated: 2025-11-12. Review status: criteria provided, single submitter. Criteria: Invitae Variant Classification Sherloc (09022015). Collection method: clinical testing. Allele origin: germline.

Eurofins Ntd Llc (ga)
Classification: Uncertain significance. Last evaluated: 2016-10-05. Review status: criteria provided, single submitter. Criteria: EGL Classification Definitions 2015. Collection method: clinical testing. Allele origin: germline. Observed: 1 variant allele, 1 hemizygote.

Genetic Services Laboratory, University of Chicago
Classification: Uncertain significance. Last evaluated: 2014-09-27. Review status: criteria provided, single submitter. Criteria: ACMG Guidelines, 2015. Collection method: clinical testing. Allele origin: germline.

PreventionGenetics, part of Exact Sciences
Classification: Likely benign for BCOR-related condition. Last evaluated: 2019-02-22. Review status: no assertion criteria provided. Collection method: clinical testing. Allele origin: germline. Not counted in ClinVar's aggregate classification.
Comment: This variant is classified as likely benign based on ACMG/AMP sequence variant interpretation guidelines (Richards et al. 2015 PMID: 25741868, with internal and published modifications).